The following is an entry in ClinVar:

NM_001458.5(FLNC):c.5448CAA[1] (p.Asn1817del)

Genes: FLNC-AS1 (FLNC antisense RNA 1; minus strand), FLNC (filamin C; plus strand). Cytogenetic location: 7q32.1.
Variant type: Microsatellite.
Coding change: c.5448CAA[1] on transcript NM_001458.5 (MANE Select); one copy of the 3-base unit CAA starting at c.5448; the reference has two copies in a row; one copy, 3 bases deleted; also written c.5451_5453del.
Protein change: p.Asn1817del; deletes asparagine 1817.
Molecular consequence: inframe deletion.
Genome position (GRCh38, 1-based): chr7:128,850,855-128,850,857, CAA deleted; deleting any 3 consecutive bases within chr7:128,850,851-128,850,857 gives the same sequence; the position shown is the placement nearest the transcript's 3' end. VCF-style (leftmost placement, unchanged base first): chr7-128850850-GACA-G. GRCh37 (hg19) VCF-style: chr7-128490904-GACA-G.
Other names: c.5451_5453delCAA (NM_001458.4); c.5451_5453del (NM_001458.5); c.5349CAA[1], p.Asn1784del (NM_001127487.2); short protein forms N1817del, N1784del.
Identifiers: ClinVar variation 539431 (VCV000539431.13), dbSNP rs1312829675, ClinGen allele CA658797013.
Genomic context (GRCh38, chr7:128,850,850, plus strand): 5'-GTCTGCCCTGCAGGAGAGGTGCGGATGCCCTCGGGGAAGACGGCACGGCCCAACATCACC[GACA>G]ACAAGGACGGCACCATCACGGTGAGGTATGCACCCACTGAGAAAGGCCTGCACCAGATGG-3'

ClinVar aggregate classification (germline): Uncertain significance. Review status: criteria provided, multiple submitters, no conflicts (2 of 4 stars). 3 submissions from 3 submitters: Uncertain significance (3). Last evaluated 2025-07-14.

Conditions:
Distal myopathy with posterior leg and anterior hand involvement. Also called: WILLIAMS DISTAL MYOPATHY. Identifiers: Orphanet 63273, MedGen C3279722, MONDO:0013550, OMIM 614065.
Myofibrillar myopathy 5. Also called: Filaminopathy (type); FILAMINOPATHY, AUTOSOMAL DOMINANT. Identifiers: Orphanet 171445, MedGen C1836050, MONDO:0012289, OMIM 609524.
Hypertrophic cardiomyopathy 26. Also called: Cardiomyopathy, familial hypertrophic, 26. Identifiers: Orphanet 75249, MedGen C4310749, MONDO:0014883, OMIM 617047.
Cardiovascular phenotype. Identifiers: MedGen CN230736.

Submissions (3):

Labcorp Genetics (formerly Invitae), Labcorp
Classification: Uncertain significance for Distal myopathy with posterior leg and anterior hand involvement; Myofibrillar myopathy 5; Hypertrophic cardiomyopathy 26. Last evaluated: 2025-07-14. Review status: criteria provided, single submitter. Criteria: Invitae Variant Classification Sherloc (09022015). Collection method: clinical testing. Allele origin: germline.
Comment: This variant, c.5451_5453del, results in the deletion of 1 amino acid(s) of the FLNC protein (p.Asn1817del), but otherwise preserves the integrity of the reading frame. This variant is not present in population databases (gnomAD no frequency). This variant has been observed in individual(s) with clinical features of FLNC-related conditions (internal data). ClinVar contains an entry for this variant (Variation ID: 539431). Experimental studies and prediction algorithms are not available or were not evaluated, and the functional significance of this variant is currently unknown. In summary, the available evidence is currently insufficient to determine the role of this variant in disease. Therefore, it has been classified as a Variant of Uncertain Significance.

Ambry Genetics
Classification: Uncertain significance for Cardiovascular phenotype. Last evaluated: 2023-01-31. Review status: criteria provided, single submitter. Criteria: Ambry Variant Classification Scheme 2023. Collection method: clinical testing. Allele origin: germline.
Comment: The c.5451_5453delCAA variant (also known as p.N1817del) is located in coding exon 33 of the FLNC gene. This variant results from an in-frame CAA deletion at nucleotide positions 5451 to 5453. This results in the in-frame deletion of an asparagine at codon 1817. This amino acid position is highly conserved in available vertebrate species. In addition, this alteration is predicted to be deleterious by in silico analysis (Choi Y et al. PLoS ONE. 2012; 7(10):e46688). Since supporting evidence is limited at this time, the clinical significance of this alteration remains unclear.

Fulgent Genetics
Classification: Uncertain significance for Myofibrillar myopathy 5; Distal myopathy with posterior leg and anterior hand involvement; Hypertrophic cardiomyopathy 26. Last evaluated: 2021-08-30. Review status: criteria provided, single submitter. Criteria: ACMG Guidelines, 2015. Collection method: clinical testing. Allele origin: unknown.